The following is an entry in ClinVar:

ClinVar aggregate classification (germline): Pathogenic/Likely pathogenic. Review status: criteria provided, multiple submitters, no conflicts (2 of 4 stars). 3 submissions from 3 submitters: Pathogenic (1); Likely pathogenic (2). Last evaluated 2025-04-17.

Conditions:
Lissencephaly type 1 due to doublecortin gene mutation. Also called: LISSENCEPHALY, X-LINKED, 1; LISSENCEPHALY AND AGENESIS OF CORPUS CALLOSUM. Identifiers: Orphanet 2148, MedGen C4551968, MONDO:0010239, OMIM 300067.
Ectopic tissue. Also called: Heterotopia. Identifiers: MedGen C0008519.

Submissions (3):

Women's Health and Genetics/Laboratory Corporation of America, LabCorp
Classification: Likely pathogenic for Lissencephaly type 1 due to doublecortin gene mutation. Last evaluated: 2025-04-17. Review status: criteria provided, single submitter. Criteria: LabCorp Variant Classification Summary - May 2015. Collection method: clinical testing. Allele origin: germline.
Comment: Variant summary: DCX c.532C>T (p.Arg178Cys) results in a non-conservative amino acid change in the encoded protein sequence. Five of five in-silico tools predict a damaging effect of the variant on protein function. The variant was absent in 182903 control chromosomes. c.532C>T has been observed in at-least 2 families with male and female individual(s) affected with Lissencephaly type 1 due to doublecortin gene mutation and the variant was shown to segregate with disease (example: D'Agostino_2002, Guerrini_2003). These data indicate that the variant is likely to be associated with disease. To our knowledge, no experimental evidence demonstrating an impact on protein function has been reported. The following publications have been ascertained in the context of this evaluation (PMID: 12390976, 12838518). ClinVar contains an entry for this variant (Variation ID: 158472). Based on the evidence outlined above, the variant was classified as likely pathogenic.

GeneDx
Classification: Likely pathogenic. Last evaluated: 2023-02-07. Review status: criteria provided, single submitter. Criteria: GeneDx Variant Classification Process June 2021. Collection method: clinical testing. Allele origin: germline. Affected: yes.
Comment: Not observed at significant frequency in large population cohorts (gnomAD); In silico analysis supports that this missense variant has a deleterious effect on protein structure/function; This variant is associated with the following publications: (PMID: 23365099, 23525077, 25868952, 22857951, 26659599, 12838518, 12390976)

Genetic Services Laboratory, University of Chicago
Classification: Pathogenic for Abnormality of neuronal migration. Last evaluated: 2013-02-08. Review status: criteria provided, single submitter. Criteria: ACMG Guidelines, 2007. Collection method: clinical testing. Allele origin: germline. Inheritance: Autosomal dominant inheritance. Affected: yes.

Literature cited by the submitters: PubMed 12390976 (cited by Women's Health and Genetics/Laboratory Corporation of America, LabCorp); PubMed 12838518 (cited by Women's Health and Genetics/Laboratory Corporation of America, LabCorp).

NM_001195553.2(DCX):c.532C>T (p.Arg178Cys)

Gene: DCX (doublecortin; minus strand). Cytogenetic location: Xq23.
Variant type: single nucleotide variant.
Coding change: c.532C>T on transcript NM_001195553.2 (MANE Select); coding-DNA position 532, C replaced by T.
Protein change: p.Arg178Cys; replaces arginine 178 with cysteine.
Molecular consequence: missense variant.
Genome position (GRCh38, 1-based): chrX:111,401,163, G>A on the plus strand (C>T on the coding strand, the complement: DCX is on the minus strand). VCF-style: chrX-111401163-G-A. GRCh37 (hg19) VCF-style: chrX-110644391-G-A.
Other names: c.532C>T (NM_178153.1); c.775C>T, p.Arg259Cys (NM_000555.3); c.532C>T, p.Arg178Cys (NM_001369370.1, NM_001369371.1, NM_001369372.1 and 5 more transcripts); short protein forms R178C, R259C.
Identifiers: ClinVar variation 158472 (VCV000158472.9), dbSNP rs587783558, ClinGen allele CA171980.
Genomic context (GRCh38, chrX:111,401,163, plus strand): 5'-GCACACGCACAGCCTTCCGAGGCTTCACCCCACTGCGGATGATGGTAACCAGCTTGGGGC[G>A]CACAAAGTCCTTGTTCTCCCTGGCCTGTGCACTGTTGCTGCTAGCCAAGGACTGGGGGGC-3'
Protein context (NP_001182482.1, residues 168-188): AQARENKDFV[Arg178Cys]PKLVTIIRSG